The following is an entry in ClinVar:

NM_000548.5(TSC2):c.3401del (p.Gly1134Alafs)

Gene: TSC2 (TSC complex subunit 2; plus strand). Cytogenetic location: 16p13.3.
Variant type: Deletion.
Coding change: c.3401del on transcript NM_000548.5 (MANE Select); coding-DNA position 3401, one base deleted (G; older notation c.3401delG).
Protein change: p.Gly1134Alafs; shifts the reading frame from glycine 1134.
Molecular consequence: splice acceptor variant.
Genome position (GRCh38, 1-based): chr16:2,080,168, G deleted; the last of 5 consecutive G bases (chr16:2,080,164-2,080,168); deleting any one gives the same sequence. VCF-style (leftmost placement, unchanged base first): chr16-2080163-AG-A. GRCh37 (hg19) VCF-style: chr16-2130164-AG-A.
Other names: c.3401delG (NM_000548.3).
Identifiers: ClinVar variation 50076 (VCV000050076.4), dbSNP rs137854314, ClinGen allele CA019105.

ClinVar aggregate classification (germline): Pathogenic. Review status: criteria provided, multiple submitters, no conflicts (2 of 4 stars). 4 submissions from 4 submitters: Pathogenic (3). 1 of the submissions does not count toward it. Last evaluated 2021-11-07.

Conditions:
Tuberous sclerosis 2 (TSC2). Identifiers: Orphanet 805, MedGen C1860707, MONDO:0013199, OMIM 613254.
Tuberous sclerosis syndrome (TSC). Also called: Tuberous Sclerosis Complex; Tuberous sclerosis. Identifiers: Orphanet 805, MedGen C0041341, MONDO:0001734.

Submissions (4):

Genome-Nilou Lab
Classification: Pathogenic for Tuberous sclerosis 2. Last evaluated: 2021-11-07. Review status: criteria provided, single submitter. Criteria: ACMG Guidelines, 2015. Collection method: clinical testing. Allele origin: germline. Affected: no.

GeneDx
Classification: Pathogenic. Last evaluated: 2013-06-18. Review status: criteria provided, single submitter. Criteria: GeneDx Variant Classification (06012015). Collection method: clinical testing. Allele origin: germline. Affected: yes.
Comment: c.3401delG: p.Gly1134AlafsX57 (G1134AfsX57) in exon 30 of the TSC2 gene (NM_000548.3). Using lowercase to denote intronic nucleotides and uppercase to denote exonic nucleotides, the normal sequence with the base that is deleted in braces is: agGG{G}CCAT.The c.3401delG mutation in the TSC2 gene causes a frameshift starting with codon Glycine 1134, changes this amino acid to an Alanine residue and creates a premature Stop codon at position 57 of the new reading frame, denoted p.Gly1134AlafsX57. This mutation is predicted to cause loss of normal protein function either through protein truncation or nonsense-mediated mRNA decay. Although this mutation has not been previously reported to our knowledge, it is considered a disease-causing mutation. The variant is found in EPILEPSY panel(s).

Athena Diagnostics
Classification: Pathogenic for Tuberous sclerosis 2. Last evaluated: 2012-06-28. Review status: criteria provided, single submitter. Criteria: Athena Diagnostics Criteria. Collection method: clinical testing. Allele origin: germline. Inheritance: Autosomal dominant inheritance.

Tuberous sclerosis database (TSC2)
No classification provided. Condition: TSC. Review status: no classification provided. Criteria: Tuberous Sclerosis Database Assertion Criteria 2015. Collection method: curation. Allele origin: germline. Affected: yes. Not counted in ClinVar's aggregate classification.

Literature cited by the submitters: PubMed 10205261 (cited by Athena Diagnostics).